The following is an entry in ClinVar:

NM_000088.4(COL1A1):c.3985A>T (p.Ser1329Cys)

Gene: COL1A1 (collagen type I alpha 1 chain; minus strand). Cytogenetic location: 17q21.33.
Variant type: single nucleotide variant.
Coding change: c.3985A>T on transcript NM_000088.4 (MANE Select); coding-DNA position 3985, A replaced by T.
Protein change: p.Ser1329Cys; replaces serine 1329 with cysteine.
Molecular consequence: missense variant.
Genome position (GRCh38, 1-based): chr17:50,186,337, T>A on the plus strand (A>T on the coding strand, the complement: COL1A1 is on the minus strand). VCF-style: chr17-50186337-T-A. GRCh37 (hg19) VCF-style: chr17-48263698-T-A.
Other names: c.3985A>T (NM_000088.3); short protein forms S1329C.
Identifiers: ClinVar variation 1014099 (VCV001014099.10), dbSNP rs778077946, ClinGen allele CA8644304.

ClinVar aggregate classification (germline): Conflicting classifications of pathogenicity. Review status: criteria provided, conflicting classifications (1 of 4 stars). 2 submissions from 2 submitters: Uncertain significance (1); Benign (1). Last evaluated 2025-09-29.

Conditions:
Cardiovascular phenotype. Identifiers: MedGen CN230736.
Osteogenesis imperfecta type I (OI1). Also called: Osteogenesis imperfecta type 1; OI, TYPE I; OSTEOGENESIS IMPERFECTA TARDA; OSTEOGENESIS IMPERFECTA WITH BLUE SCLERAE; Lobstein disease; Lobstein's Disease. Identifiers: Orphanet 216796, Orphanet 666, MedGen C0023931, MONDO:0008146, OMIM 166200. Disease mechanism: loss of function.

Allele frequency attached by ClinVar (database versions not stated): ExAC 0.00001; gnomAD 0.00001; gnomAD exomes 0.00001 and 0.00002; TOPMed 0.00002.
gnomAD v4.1: 14 of 1,614,066 alleles (0.00087%); highest among the groups gnomAD compares: African/African-American, 0.0013%; no homozygotes.

Submissions (2):

Labcorp Genetics (formerly Invitae), Labcorp
Classification: Benign for Osteogenesis imperfecta type I. Last evaluated: 2025-09-29. Review status: criteria provided, single submitter. Criteria: Invitae Variant Classification Sherloc (09022015). Collection method: clinical testing. Allele origin: germline.

Ambry Genetics
Classification: Uncertain significance for Cardiovascular phenotype. Last evaluated: 2023-10-26. Review status: criteria provided, single submitter. Criteria: Ambry Variant Classification Scheme 2023. Collection method: clinical testing. Allele origin: germline.
Comment: The p.S1329C variant (also known as c.3985A>T), located in coding exon 49 of the COL1A1 gene, results from an A to T substitution at nucleotide position 3985. The serine at codon 1329 is replaced by cysteine, an amino acid with dissimilar properties. This amino acid position is not well conserved in available vertebrate species. In addition, the in silico prediction for this alteration is inconclusive. Since supporting evidence is limited at this time, the clinical significance of this alteration remains unclear.